The following is an entry in ClinVar:

NM_003242.6(TGFBR2):c.1520A>G (p.His507Arg)

Gene: TGFBR2 (transforming growth factor beta receptor 2; plus strand). Cytogenetic location: 3p24.1.
Variant type: single nucleotide variant.
Coding change: c.1520A>G on transcript NM_003242.6 (MANE Select); coding-DNA position 1520, A replaced by G.
Protein change: p.His507Arg; replaces histidine 507 with arginine.
Molecular consequence: missense variant.
Genome position (GRCh38, 1-based): chr3:30,688,507, A>G. VCF-style: chr3-30688507-A-G. GRCh37 (hg19) VCF-style: chr3-30729999-A-G.
Other names: c.1595A>G, p.His532Arg (NM_001024847.3); c.1703A>G, p.His568Arg (NM_001407126.1); c.1628A>G, p.His543Arg (NM_001407127.1); c.1547A>G, p.His516Arg (NM_001407128.1); c.1523A>G, p.His508Arg (NM_001407129.1); c.1517A>G, p.His506Arg (NM_001407130.1); c.1415A>G, p.His472Arg (NM_001407132.1, NM_001407133.1, NM_001407134.1 and 2 more transcripts); c.1235A>G, p.His412Arg (NM_001407137.1); and 2 more; short protein forms H217R, H506R, H516R, H543R, H412R, H472R, H508R, H568R.
Identifiers: ClinVar variation 3635625 (VCV003635625.2).

ClinVar aggregate classification (germline): Uncertain significance (1 of 4 stars; one submission).

Conditions:
Familial thoracic aortic aneurysm and aortic dissection (TAAD). Also called: Thoracic aortic aneurysms and dissections. Identifiers: Orphanet 91387, MedGen C4707243, MONDO:0019625.

Submission:

Labcorp Genetics (formerly Invitae), Labcorp
Classification: Uncertain significance for Familial thoracic aortic aneurysm and aortic dissection. Last evaluated: 2024-05-06. Review status: criteria provided, single submitter. Criteria: Invitae Variant Classification Sherloc (09022015). Collection method: clinical testing. Allele origin: germline.
Comment: This sequence change replaces histidine, which is basic and polar, with arginine, which is basic and polar, at codon 507 of the TGFBR2 protein (p.His507Arg). This variant is not present in population databases (gnomAD no frequency). This variant has not been reported in the literature in individuals affected with TGFBR2-related conditions. Advanced modeling of protein sequence and biophysical properties (such as structural, functional, and spatial information, amino acid conservation, physicochemical variation, residue mobility, and thermodynamic stability) performed at Invitae indicates that this missense variant is expected to disrupt TGFBR2 protein function with a positive predictive value of 95%. In summary, the available evidence is currently insufficient to determine the role of this variant in disease. Therefore, it has been classified as a Variant of Uncertain Significance.